The following is an entry in ClinVar:

NM_002354.3(EPCAM):c.592A>T (p.Asn198Tyr)

Gene: EPCAM (epithelial cell adhesion molecule; plus strand). Cytogenetic location: 2p21.
Variant type: single nucleotide variant.
Coding change: c.592A>T on transcript NM_002354.3 (MANE Select); coding-DNA position 592, A replaced by T.
Protein change: p.Asn198Tyr; replaces asparagine 198 with tyrosine.
Molecular consequence: missense variant.
Genome position (GRCh38, 1-based): chr2:47,378,989, A>T. VCF-style: chr2-47378989-A-T. GRCh37 (hg19) VCF-style: chr2-47606128-A-T.
Other names: short protein forms N198Y.
Identifiers: ClinVar variation 3275843 (VCV003275843.1).

ClinVar aggregate classification (germline): Uncertain significance (1 of 4 stars; one submission).

Conditions:
Hereditary cancer-predisposing syndrome. Also called: Tumor predisposition; Hereditary Cancer Syndrome; Hereditary neoplastic syndrome; Neoplastic Syndromes, Hereditary. Identifiers: Orphanet 140162, MedGen C0027672, MeSH D009386, MONDO:0015356.

Submission:

Ambry Genetics
Classification: Uncertain significance for Hereditary cancer-predisposing syndrome. Last evaluated: 2024-05-12. Review status: criteria provided, single submitter. Criteria: Ambry Variant Classification Scheme 2023. Collection method: clinical testing. Allele origin: germline.
Comment: The p.N198Y variant (also known as c.592A>T), located in coding exon 6 of the EPCAM gene, results from an A to T substitution at nucleotide position 592. The asparagine at codon 198 is replaced by tyrosine, an amino acid with dissimilar properties. This amino acid position is conserved. In addition, the in silico prediction for this alteration is inconclusive. Based on the available evidence, the clinical significance of this variant remains unclear.